The following is an entry in ClinVar:

NM_018112.3(TMEM38B):c.344C>T (p.Ser115Leu)

Gene: TMEM38B (transmembrane protein 38B; plus strand). Cytogenetic location: 9q31.2.
Variant type: single nucleotide variant.
Coding change: c.344C>T on transcript NM_018112.3 (MANE Select); coding-DNA position 344, C replaced by T.
Protein change: p.Ser115Leu; replaces serine 115 with leucine.
Molecular consequence: missense variant.
Genome position (GRCh38, 1-based): chr9:105,721,611, C>T. VCF-style: chr9-105721611-C-T. GRCh37 (hg19) VCF-style: chr9-108483892-C-T.
Other names: c.344C>T (NM_018112.1); short protein forms S115L.
Identifiers: ClinVar variation 2917999 (VCV002917999.3), dbSNP rs769677201, ClinGen allele CA5170850.

ClinVar aggregate classification (germline): Uncertain significance. Review status: criteria provided, multiple submitters, no conflicts (2 of 4 stars). 2 submissions from 2 submitters: Uncertain significance (2). Last evaluated 2025-03-17.

Conditions:
Inborn genetic diseases. Identifiers: MedGen C0950123, MeSH D030342.

Allele frequency attached by ClinVar (database versions not stated): gnomAD 0.00001; ExAC 0.00002; TOPMed 0.00003; gnomAD exomes 0.00003.
gnomAD v4.1: 49 of 1,613,296 alleles (0.003%); highest among the groups gnomAD compares: African/African-American, 0.008%; no homozygotes.

Submissions (2):

Labcorp Genetics (formerly Invitae), Labcorp
Classification: Uncertain significance. Last evaluated: 2025-03-17. Review status: criteria provided, single submitter. Criteria: Invitae Variant Classification Sherloc (09022015). Collection method: clinical testing. Allele origin: germline.
Comment: This sequence change replaces serine, which is neutral and polar, with leucine, which is neutral and non-polar, at codon 115 of the TMEM38B protein (p.Ser115Leu). This variant is present in population databases (rs769677201, gnomAD 0.004%). This variant has not been reported in the literature in individuals affected with TMEM38B-related conditions. ClinVar contains an entry for this variant (Variation ID: 2917999). An algorithm developed to predict the effect of missense changes on protein structure and function (PolyPhen-2) suggests that this variant is likely to be tolerated. In summary, the available evidence is currently insufficient to determine the role of this variant in disease. Therefore, it has been classified as a Variant of Uncertain Significance.

Ambry Genetics
Classification: Uncertain significance for Inborn genetic diseases. Last evaluated: 2023-11-21. Review status: criteria provided, single submitter. Criteria: Ambry Variant Classification Scheme 2023. Collection method: clinical testing. Allele origin: germline.